The following is an entry in ClinVar:

NM_006642.5(SDCCAG8):c.245G>T (p.Arg82Leu)

Gene: SDCCAG8 (SHH signaling and ciliogenesis regulator SDCCAG8; plus strand). Cytogenetic location: 1q43.
Variant type: single nucleotide variant.
Coding change: c.245G>T on transcript NM_006642.5 (MANE Select); coding-DNA position 245, G replaced by T.
Protein change: p.Arg82Leu; replaces arginine 82 with leucine.
Molecular consequence: missense variant. On other transcripts: 5 prime UTR variant (4).
Genome position (GRCh38, 1-based): chr1:243,271,002, G>T. VCF-style: chr1-243271002-G-T. GRCh37 (hg19) VCF-style: chr1-243434304-G-T.
Other names: c.-868G>T (NM_001350246.2); c.-756G>T (NM_001350247.2); c.245G>T, p.Arg82Leu (NM_001350248.2); c.-50G>T (NM_001350249.2); c.-1129G>T (NM_001350251.2); c.245G>T (NM_006642.3); short protein forms R82L.
Identifiers: ClinVar variation 2179960 (VCV002179960.3), dbSNP rs577345357, ClinGen allele CA40410570.
Genomic context (GRCh38, chr1:243,271,002, plus strand): 5'-AATAAGGTTAATAAACCCTCTGCTTTTGCTCTATAGTTAATCAGCTCAAAGATTTGTTGC[G>T]CCAACAAGCAGATAAGGAAAGTGAAGTATCTCCGTCAAGAAGAAGAAAAATGTCCCCCTT-3'
Protein context (NP_006633.1, residues 72-92): HAVNQLKDLL[Arg82Leu]QQADKESEVS

ClinVar aggregate classification (germline): Uncertain significance. Review status: criteria provided, multiple submitters, no conflicts (2 of 4 stars). 3 submissions from 3 submitters: Uncertain significance (2). 1 of the submissions does not count toward it. Last evaluated 2024-01-03.

Conditions:
Senior-Loken syndrome 7 (SLSN7). Identifiers: Orphanet 3156, MedGen C3150877, MONDO:0013326, OMIM 613615.
Bardet-Biedl syndrome 16 (BBS16). Identifiers: Orphanet 110, MedGen C3889474, MONDO:0014444, OMIM 615993.
SDCCAG8-related disorder. Also called: SDCCAG8-Related Disorders; SDCCAG8-related condition.

gnomAD v4.1: 5 of 1,613,206 alleles (0.00031%); highest among the groups gnomAD compares: Admixed American, 0.0017%; no homozygotes.

Submissions (3):

Fulgent Genetics
Classification: Uncertain significance for Senior-Loken syndrome 7; Bardet-Biedl syndrome 16. Last evaluated: 2024-01-03. Review status: criteria provided, single submitter. Criteria: ACMG Guidelines, 2015. Collection method: clinical testing. Allele origin: germline.

Labcorp Genetics (formerly Invitae), Labcorp
Classification: Uncertain significance for Bardet-Biedl syndrome 16; Senior-Loken syndrome 7. Last evaluated: 2022-04-28. Review status: criteria provided, single submitter. Criteria: Invitae Variant Classification Sherloc (09022015). Collection method: clinical testing. Allele origin: germline.
Comment: This sequence change replaces arginine, which is basic and polar, with leucine, which is neutral and non-polar, at codon 82 of the SDCCAG8 protein (p.Arg82Leu). This variant is present in population databases (rs577345357, gnomAD 0.003%). This variant has not been reported in the literature in individuals affected with SDCCAG8-related conditions. Algorithms developed to predict the effect of missense changes on protein structure and function (SIFT, PolyPhen-2, Align-GVGD) all suggest that this variant is likely to be tolerated. In summary, the available evidence is currently insufficient to determine the role of this variant in disease. Therefore, it has been classified as a Variant of Uncertain Significance.

PreventionGenetics, part of Exact Sciences
Classification: Uncertain significance for SDCCAG8-related condition. Last evaluated: 2024-03-15. Review status: no assertion criteria provided. Collection method: clinical testing. Allele origin: germline. Not counted in ClinVar's aggregate classification.
Comment: The SDCCAG8 c.245G>T variant is predicted to result in the amino acid substitution p.Arg82Leu. This variant was reported in an individual with Bardet-Biedl syndrome; however, it was reported as a potential modifier allele, not a primary causative variant (Perea-Romero et al. 2022. PubMed ID: 35835773). This variant is reported in 0.0029% of alleles in individuals of Latino descent in gnomAD. At this time, the clinical significance of this variant is uncertain due to the absence of conclusive functional and genetic evidence.